The following is an entry in ClinVar:

NM_000038.6(APC):c.6205G>A (p.Gly2069Ser)

Gene: APC (APC regulator of Wnt signaling pathway; plus strand). Cytogenetic location: 5q22.2.
Variant type: single nucleotide variant.
Coding change: c.6205G>A on transcript NM_000038.6 (MANE Select); coding-DNA position 6205, G replaced by A.
Protein change: p.Gly2069Ser; replaces glycine 2069 with serine.
Molecular consequence: missense variant. On other transcripts: non-coding transcript variant (2).
Genome position (GRCh38, 1-based): chr5:112,841,799, G>A. VCF-style: chr5-112841799-G-A. GRCh37 (hg19) VCF-style: chr5-112177496-G-A.
Other names: c.6205G>A, p.Gly2069Ser (NM_001127510.3, NM_001354895.2, NM_001407450.1); c.6151G>A, p.Gly2051Ser (NM_001127511.3); c.6259G>A, p.Gly2087Ser (NM_001354896.2, NM_001407447.1, NM_001407448.1 and 1 more transcripts); c.6235G>A, p.Gly2079Ser (NM_001354897.2); c.6130G>A, p.Gly2044Ser (NM_001354898.2); c.6121G>A, p.Gly2041Ser (NM_001354899.2); c.6082G>A, p.Gly2028Ser (NM_001354900.2); c.6028G>A, p.Gly2010Ser (NM_001354901.2, NM_001407453.1); and 11 more; short protein forms G1943S, G1968S, G1986S, G2028S, G2044S, G2059S, G2079S, G2041S.
Identifiers: ClinVar variation 2918151 (VCV002918151.3), dbSNP rs2149959620, ClinGen allele CA16034924.
Genomic context (GRCh38, chr5:112,841,799, plus strand): 5'-AAAAAGAAAAAGCCTTCAAGACTCAAGGGTGATAATGAAAAACATAGTCCCAGAAATATG[G>A]GTGGCATATTAGGTGAAGATCTGACACTTGATTTGAAAGATATACAGAGACCAGATTCAG-3'
Protein context (NP_000029.2, residues 2059-2079): DNEKHSPRNM[Gly2069Ser]GILGEDLTLD

ClinVar aggregate classification (germline): Uncertain significance (1 of 4 stars; one submission).

Conditions:
Familial adenomatous polyposis 1 (FAP1). Also called: FAMILIAL ADENOMATOUS POLYPOSIS 1, ATTENUATED; POLYPOSIS, ADENOMATOUS INTESTINAL. Identifiers: MedGen C2713442, MONDO:0021056, OMIM 175100. Disease mechanism: loss of function.

Submission:

Labcorp Genetics (formerly Invitae), Labcorp
Classification: Uncertain significance for Familial adenomatous polyposis 1. Last evaluated: 2024-01-04. Review status: criteria provided, single submitter. Criteria: Invitae Variant Classification Sherloc (09022015). Collection method: clinical testing. Allele origin: germline.
Comment: This sequence change replaces glycine, which is neutral and non-polar, with serine, which is neutral and polar, at codon 2069 of the APC protein (p.Gly2069Ser). This variant is not present in population databases (gnomAD no frequency). This variant has not been reported in the literature in individuals affected with APC-related conditions. Advanced modeling of protein sequence and biophysical properties (such as structural, functional, and spatial information, amino acid conservation, physicochemical variation, residue mobility, and thermodynamic stability) performed at Invitae indicates that this missense variant is not expected to disrupt APC protein function with a negative predictive value of 95%. In summary, the available evidence is currently insufficient to determine the role of this variant in disease. Therefore, it has been classified as a Variant of Uncertain Significance.